The following is an entry in ClinVar:

ClinVar aggregate classification (germline): Uncertain significance (1 of 4 stars; one submission).

Submission:

Labcorp Genetics (formerly Invitae), Labcorp
Classification: Uncertain significance. Last evaluated: 2025-04-02. Review status: criteria provided, single submitter. Criteria: Invitae Variant Classification Sherloc (09022015). Collection method: clinical testing. Allele origin: germline.
Comment: This sequence change replaces threonine, which is neutral and polar, with isoleucine, which is neutral and non-polar, at codon 1677 of the FLNB protein (p.Thr1677Ile). This variant is not present in population databases (gnomAD no frequency). This variant has not been reported in the literature in individuals affected with FLNB-related conditions. Invitae Evidence Modeling of protein sequence and biophysical properties (such as structural, functional, and spatial information, amino acid conservation, physicochemical variation, residue mobility, and thermodynamic stability) indicates that this missense variant is not expected to disrupt FLNB protein function with a negative predictive value of 95%. In summary, the available evidence is currently insufficient to determine the role of this variant in disease. Therefore, it has been classified as a Variant of Uncertain Significance.

NM_001457.4(FLNB):c.5030C>T (p.Thr1677Ile)

Gene: FLNB (filamin B; plus strand). Cytogenetic location: 3p14.3.
Variant type: single nucleotide variant.
Coding change: c.5030C>T on transcript NM_001457.4 (MANE Select); coding-DNA position 5030, C replaced by T.
Protein change: p.Thr1677Ile; replaces threonine 1677 with isoleucine.
Molecular consequence: missense variant.
Genome position (GRCh38, 1-based): chr3:58,138,450, C>T. VCF-style: chr3-58138450-C-T. GRCh37 (hg19) VCF-style: chr3-58124177-C-T.
Other names: c.5123C>T, p.Thr1708Ile (NM_001164317.2); c.5030C>T, p.Thr1677Ile (NM_001164318.2, NM_001164319.2); short protein forms T1677I, T1708I.
Identifiers: ClinVar variation 4806744 (VCV004806744.1).